The following is an entry in ClinVar:

NM_000051.4(ATM):c.3494G>T (p.Ser1165Ile)

Gene: ATM (ATM serine/threonine kinase; plus strand). Cytogenetic location: 11q22.3.
Variant type: single nucleotide variant.
Coding change: c.3494G>T on transcript NM_000051.4 (MANE Select); coding-DNA position 3494, G replaced by T.
Protein change: p.Ser1165Ile; replaces serine 1165 with isoleucine.
Molecular consequence: missense variant.
Genome position (GRCh38, 1-based): chr11:108,281,086, G>T. VCF-style: chr11-108281086-G-T. GRCh37 (hg19) VCF-style: chr11-108151813-G-T.
Other names: c.3494G>T, p.Ser1165Ile (NM_001351834.2); short protein forms S1165I.
Identifiers: ClinVar variation 949555 (VCV000949555.13), dbSNP rs2082208653, ClinGen allele CA382519707.

ClinVar aggregate classification (germline): Uncertain significance. Review status: criteria provided, multiple submitters, no conflicts (2 of 4 stars). 2 submissions from 2 submitters: Uncertain significance (2). Last evaluated 2025-04-23.

Conditions:
Hereditary cancer-predisposing syndrome. Also called: Hereditary neoplastic syndrome; Tumor predisposition; Neoplastic Syndromes, Hereditary; Hereditary Cancer Syndrome. Identifiers: Orphanet 140162, MedGen C0027672, MeSH D009386, MONDO:0015356.
Ataxia-telangiectasia syndrome (AT). Also called: LOUIS-BAR SYNDROME; Ataxia telangiectasia (A-T); Cerebello-oculocutaneous telangiectasia; Immunodeficiency with ataxia telangiectasia; ATAXIA-TELANGIECTASIA, COMPLEMENTATION GROUP A; ATAXIA-TELANGIECTASIA, FRESNO VARIANT. Identifiers: Orphanet 100, MedGen C0004135, MONDO:0008840, OMIM 208900.

Submissions (2):

Labcorp Genetics (formerly Invitae), Labcorp
Classification: Uncertain significance for Ataxia-telangiectasia syndrome. Last evaluated: 2025-04-23. Review status: criteria provided, single submitter. Criteria: Invitae Variant Classification Sherloc (09022015). Collection method: clinical testing. Allele origin: germline.
Comment: This sequence change replaces serine, which is neutral and polar, with isoleucine, which is neutral and non-polar, at codon 1165 of the ATM protein (p.Ser1165Ile). This variant is not present in population databases (gnomAD no frequency). This variant has not been reported in the literature in individuals affected with ATM-related conditions. ClinVar contains an entry for this variant (Variation ID: 949555). Invitae Evidence Modeling of protein sequence and biophysical properties (such as structural, functional, and spatial information, amino acid conservation, physicochemical variation, residue mobility, and thermodynamic stability) has been performed for this missense variant. However, the output from this modeling did not meet the statistical confidence thresholds required to predict the impact of this variant on ATM protein function. In summary, the available evidence is currently insufficient to determine the role of this variant in disease. Therefore, it has been classified as a Variant of Uncertain Significance.

Ambry Genetics
Classification: Uncertain significance for Hereditary cancer-predisposing syndrome. Last evaluated: 2025-03-03. Review status: criteria provided, single submitter. Criteria: Ambry Variant Classification Scheme 2023. Collection method: clinical testing. Allele origin: germline.
Comment: The p.S1165I variant (also known as c.3494G>T), located in coding exon 23 of the ATM gene, results from a G to T substitution at nucleotide position 3494. The serine at codon 1165 is replaced by isoleucine, an amino acid with dissimilar properties. This amino acid position is highly conserved in available vertebrate species. In addition, this alteration is predicted to be deleterious by in silico analysis. Based on the available evidence, the clinical significance of this variant remains unclear.